The following is an entry in ClinVar:

ClinVar aggregate classification (germline): Uncertain significance (1 of 4 stars; one submission).

Submission:

Labcorp Genetics (formerly Invitae), Labcorp
Classification: Uncertain significance. Last evaluated: 2023-07-07. Review status: criteria provided, single submitter. Criteria: Invitae Variant Classification Sherloc (09022015). Collection method: clinical testing. Allele origin: germline.
Comment: In summary, the available evidence is currently insufficient to determine the role of this variant in disease. Therefore, it has been classified as a Variant of Uncertain Significance. Advanced modeling of protein sequence and biophysical properties (such as structural, functional, and spatial information, amino acid conservation, physicochemical variation, residue mobility, and thermodynamic stability) performed at Invitae indicates that this missense variant is not expected to disrupt LONP1 protein function. This sequence change replaces glutamic acid, which is acidic and polar, with aspartic acid, which is acidic and polar, at codon 609 of the LONP1 protein (p.Glu609Asp). This variant is not present in population databases (gnomAD no frequency). This variant has not been reported in the literature in individuals affected with LONP1-related conditions. ClinVar contains an entry for this variant (Variation ID: 2086785).

NM_004793.4(LONP1):c.1827G>C (p.Glu609Asp)

Gene: LONP1 (lon peptidase 1, mitochondrial; minus strand). Cytogenetic location: 19p13.3.
Variant type: single nucleotide variant.
Coding change: c.1827G>C on transcript NM_004793.4 (MANE Select); coding-DNA position 1827, G replaced by C.
Protein change: p.Glu609Asp; replaces glutamic acid 609 with aspartic acid.
Molecular consequence: missense variant. On other transcripts: non-coding transcript variant (1).
Genome position (GRCh38, 1-based): chr19:5,696,318, C>G on the plus strand (G>C on the coding strand, the complement: LONP1 is on the minus strand). VCF-style: chr19-5696318-C-G. GRCh37 (hg19) VCF-style: chr19-5696329-C-G.
Other names: c.1635G>C, p.Glu545Asp (NM_001276479.2); c.1239G>C, p.Glu413Asp (NM_001276480.1); short protein forms E545D, E609D, E413D.
Identifiers: ClinVar variation 2086785 (VCV002086785.4), dbSNP rs1027357819, ClinGen allele CA403529167.
Genomic context (GRCh38, chr19:5,696,318, plus strand): 5'-GTCCACGGGCACGTCCAGGTAGTGGTCCAGGAAGTTGGCATTCTGCTCTGGGTCCAGCAG[C>G]TCCAGCAGTGCCGACGACGGGTCCCCCTGGTAGCCTCGGCCGATCTTGTCCACCTGGGGC-3'
Protein context (NP_004784.2, residues 599-619): YQGDPSSALL[Glu609Asp]LLDPEQNANF